The following is an entry in ClinVar:

NM_005465.7(AKT3):c.1163+17G>A

Gene: AKT3 (AKT serine/threonine kinase 3; minus strand). Cytogenetic location: 1q44.
Variant type: single nucleotide variant.
Coding change: c.1163+17G>A on transcript NM_005465.7 (MANE Select); 17 bases into the intron after coding-DNA position 1163, G replaced by A.
Molecular consequence: intron variant.
Genome position (GRCh38, 1-based): chr1:243,552,712, C>T on the plus strand (G>A on the coding strand, the complement: AKT3 is on the minus strand). VCF-style: chr1-243552712-C-T. GRCh37 (hg19) VCF-style: chr1-243716014-C-T.
Other names: c.1163+17G>A (NM_181690.2, NM_001370074.1, NM_001206729.2).
Identifiers: ClinVar variation 384482 (VCV000384482.9), dbSNP rs367951410, ClinGen allele CA1483966.

ClinVar aggregate classification (germline): Likely benign. Review status: criteria provided, multiple submitters, no conflicts (2 of 4 stars). 3 submissions from 3 submitters: Likely benign (3). Last evaluated 2025-09-25.

Conditions:
Megalencephaly-polymicrogyria-polydactyly-hydrocephalus syndrome 2 (MPPH2). Also called: MEGALENCEPHALY-POLYMICROGYRIA-POLYDACTYLY-HYDROCEPHALUS SYNDROME 2, SOMATIC. Identifiers: Orphanet 83473, MedGen C4014738, MONDO:0014407, OMIM 615937.

Allele frequency attached by ClinVar (database versions not stated): ExAC 0.00012; gnomAD exomes 0.00018 and 0.00035; ESP Exome Variant Server 0.00023; gnomAD 0.00030 and 0.00034; TOPMed 0.00031.
gnomAD v4.1: 534 of 1,602,996 alleles (0.033%); highest among the groups gnomAD compares: Non-Finnish European, 0.043%; no homozygotes.

Submissions (3):

Labcorp Genetics (formerly Invitae), Labcorp
Classification: Likely benign for Megalencephaly-polymicrogyria-polydactyly-hydrocephalus syndrome 2. Last evaluated: 2025-09-25. Review status: criteria provided, single submitter. Criteria: Invitae Variant Classification Sherloc (09022015). Collection method: clinical testing. Allele origin: germline.

Blueprint Genetics
Classification: Likely benign. Last evaluated: 2022-09-28. Review status: criteria provided, single submitter. Criteria: ACMG Guidelines, 2015. Collection method: clinical testing. Allele origin: germline.

GeneDx
Classification: Likely benign. Last evaluated: 2016-03-07. Review status: criteria provided, single submitter. Criteria: GeneDx Variant Classification (06012015). Collection method: clinical testing. Allele origin: germline. Affected: yes.
Comment: This variant is considered likely benign or benign based on one or more of the following criteria: it is a conservative change, it occurs at a poorly conserved position in the protein, it is predicted to be benign by multiple in silico algorithms, and/or has population frequency not consistent with disease.